The following is an entry in ClinVar:

NM_001126128.2(PROK2):c.314A>G (p.His105Arg)

Gene: PROK2 (prokineticin 2; minus strand). Cytogenetic location: 3p13.
Variant type: single nucleotide variant.
Coding change: c.314A>G on transcript NM_001126128.2 (MANE Select); coding-DNA position 314, A replaced by G.
Protein change: p.His105Arg; replaces histidine 105 with arginine.
Molecular consequence: missense variant.
Genome position (GRCh38, 1-based): chr3:71,772,800, T>C on the plus strand (A>G on the coding strand, the complement: PROK2 is on the minus strand). VCF-style: chr3-71772800-T-C. GRCh37 (hg19) VCF-style: chr3-71821951-T-C.
Other names: c.251A>G, p.His84Arg (NM_021935.4); short protein forms H105R, H84R.
Identifiers: ClinVar variation 4978555 (VCV004978555.1).
Genomic context (GRCh38, chr3:71,772,800, plus strand): 5'-CAAATAAATCGGTTAAATGAAGTCCGTAAACAGGCCAAGCCTGGCAGACATGGGCAAGTG[T>C]GATGCATCCTCCGCCCAAAAAATGGAACCTAAATAAAAAAGAAAACGGAGTCAGAGCTGG-3'
Protein context (NP_001119600.1, residues 95-115): EVPFFGRRMH[His105Arg]TCPCLPGLAC

ClinVar aggregate classification (germline): Uncertain significance (1 of 4 stars; one submission).

Conditions:
PROK2-related disorder. Also called: PROK2-related condition.

gnomAD v4.1: 3 of 1,614,070 alleles (0.00019%); highest among the groups gnomAD compares: Middle Eastern, 0.016%; no homozygotes.

Submission:

PreventionGenetics, part of Exact Sciences
Classification: Uncertain significance for PROK2-related condition. Last evaluated: 2025-11-10. Review status: criteria provided, single submitter. Criteria: ACMG Guidelines, 2015. Collection method: clinical testing. Allele origin: germline.
Comment: The PROK2 c.314A>G variant is predicted to result in the amino acid substitution p.His105Arg. To our knowledge, this variant has not been reported in the literature. This variant is reported in 0.0062% of alleles in individuals of African descent in gnomAD. At this time, the clinical significance of this variant is uncertain due to the absence of conclusive functional and genetic evidence.